The following is an entry in ClinVar:

ClinVar aggregate classification (germline): Uncertain significance (1 of 4 stars; one submission).

Allele frequency attached by ClinVar (database versions not stated): ExAC 0.00003; gnomAD exomes 0.00004; ESP Exome Variant Server 0.00023.
gnomAD v4.1: 76 of 1,614,006 alleles (0.0047%); highest among the groups gnomAD compares: Middle Eastern, 0.2%; no homozygotes.

Submission:

Labcorp Genetics (formerly Invitae), Labcorp
Classification: Uncertain significance. Last evaluated: 2025-05-29. Review status: criteria provided, single submitter. Criteria: Invitae Variant Classification Sherloc (09022015). Collection method: clinical testing. Allele origin: germline.
Comment: This sequence change replaces serine, which is neutral and polar, with asparagine, which is neutral and polar, at codon 577 of the DLC1 protein (p.Ser577Asn). This variant is present in population databases (rs145901252, gnomAD 0.007%). This variant has not been reported in the literature in individuals affected with DLC1-related conditions. ClinVar contains an entry for this variant (Variation ID: 2711849). An algorithm developed to predict the effect of missense changes on protein structure and function (PolyPhen-2) suggests that this variant is likely to be disruptive. In summary, the available evidence is currently insufficient to determine the role of this variant in disease. Therefore, it has been classified as a Variant of Uncertain Significance.

NM_182643.3(DLC1):c.1730G>A (p.Ser577Asn)

Gene: DLC1 (DLC1 Rho GTPase activating protein; minus strand). Cytogenetic location: 8p22.
Variant type: single nucleotide variant.
Coding change: c.1730G>A on transcript NM_182643.3 (MANE Select); coding-DNA position 1730, G replaced by A.
Protein change: p.Ser577Asn; replaces serine 577 with asparagine.
Molecular consequence: missense variant.
Genome position (GRCh38, 1-based): chr8:13,100,607, C>T on the plus strand (G>A on the coding strand, the complement: DLC1 is on the minus strand). VCF-style: chr8-13100607-C-T. GRCh37 (hg19) VCF-style: chr8-12958116-C-T.
Other names: c.419G>A, p.Ser140Asn (NM_001413136.1, NM_001413139.1, NM_006094.5 and 1 more transcripts); c.170G>A, p.Ser57Asn (NM_001413137.1, NM_001413131.1); c.197G>A, p.Ser66Asn (NM_001413138.1, NM_001164271.2, NM_001348082.2 and 6 more transcripts); c.554G>A, p.Ser185Asn (NM_001413140.1); c.521G>A, p.Ser174Asn (NM_001316668.2, NM_001413129.1); c.1730G>A, p.Ser577Asn (NM_001348081.2, NM_001413124.1); c.512G>A, p.Ser171Asn (NM_001413130.1); c.656G>A, p.Ser219Asn (NM_001413132.1); short protein forms S171N, S140N, S174N, S577N, S185N, S219N, S57N, S66N.
Identifiers: ClinVar variation 2711849 (VCV002711849.3), dbSNP rs145901252, ClinGen allele CA4638832.
Genomic context (GRCh38, chr8:13,100,607, plus strand): 5'-AGGCTGCGGACGGAAGACACCTCCTGGCGCTCGCTGAGGTCCATCAGCGTGCCTCCGGGG[C>T]TGGGGCCGTCCTTCGGGTGGGAGTCGTCTGGGGACCCAGGGACCAGGTCTTGTTTTGGAG-3'
Protein context (NP_872584.2, residues 567-587): PDDSHPKDGP[Ser577Asn]PGGTLMDLSE